The following is an entry in ClinVar:

ClinVar aggregate classification (germline): Uncertain significance (1 of 4 stars; one submission).

Conditions:
Inborn genetic diseases. Identifiers: MedGen C0950123, MeSH D030342.

Allele frequency attached by ClinVar (database versions not stated): gnomAD exomes below 0.00001.
gnomAD v4.1: 1 of 1,579,860 alleles (0.000063%); highest among the groups gnomAD compares: Non-Finnish European, 0.000086%; no homozygotes.

Submission:

Ambry Genetics
Classification: Uncertain significance for Inborn genetic diseases. Last evaluated: 2018-05-30. Review status: criteria provided, single submitter. Criteria: Ambry Variant Classification Scheme 2023. Collection method: clinical testing. Allele origin: germline.
Comment: The p.P1143H variant (also known as c.3428C>A), located in coding exon 29 of the ATP13A2 gene, results from a C to A substitution at nucleotide position 3428. The proline at codon 1143 is replaced by histidine, an amino acid with similar properties. This amino acid position is not well conserved in available vertebrate species. In addition, this alteration is predicted to be tolerated by in silico analysis. Since supporting evidence is limited at this time, the clinical significance of this alteration remains unclear.

NM_022089.4(ATP13A2):c.3428C>A (p.Pro1143His)

Gene: ATP13A2 (ATPase cation transporting 13A2; minus strand). Cytogenetic location: 1p36.13.
Variant type: single nucleotide variant.
Coding change: c.3428C>A on transcript NM_022089.4 (MANE Select); coding-DNA position 3428, C replaced by A.
Protein change: p.Pro1143His; replaces proline 1143 with histidine.
Molecular consequence: missense variant. On other transcripts: synonymous variant (1).
Genome position (GRCh38, 1-based): chr1:16,986,336, G>T on the plus strand (C>A on the coding strand, the complement: ATP13A2 is on the minus strand). VCF-style: chr1-16986336-G-T. GRCh37 (hg19) VCF-style: chr1-17312831-G-T.
Other names: c.3413C>A, p.Pro1138His (NM_001141973.3); c.3126C>A, p.Pro1042= (NM_001141974.3); short protein forms P1143H, P1138H.
Identifiers: ClinVar variation 1731324 (VCV001731324.2), dbSNP rs2522670994, ClinGen allele CA338232511.